The following is an entry in ClinVar:

NM_006509.4(RELB):c.1097A>G (p.Tyr366Cys)

Gene: RELB (RELB proto-oncogene, NF-kB subunit; plus strand). Cytogenetic location: 19q13.32.
Variant type: single nucleotide variant.
Coding change: c.1097A>G on transcript NM_006509.4 (MANE Select); coding-DNA position 1097, A replaced by G.
Protein change: p.Tyr366Cys; replaces tyrosine 366 with cysteine.
Molecular consequence: missense variant.
Genome position (GRCh38, 1-based): chr19:45,032,639, A>G. VCF-style: chr19-45032639-A-G. GRCh37 (hg19) VCF-style: chr19-45535897-A-G.
Other names: c.1088A>G, p.Tyr363Cys (NM_001411087.1); short protein forms Y363C, Y366C.
Identifiers: ClinVar variation 2857033 (VCV002857033.3), dbSNP rs2513657479, ClinGen allele CA406305191.

ClinVar aggregate classification (germline): Uncertain significance (1 of 4 stars; one submission).

Submission:

Labcorp Genetics (formerly Invitae), Labcorp
Classification: Uncertain significance. Last evaluated: 2023-05-16. Review status: criteria provided, single submitter. Criteria: Invitae Variant Classification Sherloc (09022015). Collection method: clinical testing. Allele origin: germline.
Comment: In summary, the available evidence is currently insufficient to determine the role of this variant in disease. Therefore, it has been classified as a Variant of Uncertain Significance. An algorithm developed to predict the effect of missense changes on protein structure and function (PolyPhen-2) suggests that this variant is likely to be disruptive. This variant has not been reported in the literature in individuals affected with RELB-related conditions. This variant is not present in population databases (gnomAD no frequency). This sequence change replaces tyrosine, which is neutral and polar, with cysteine, which is neutral and slightly polar, at codon 366 of the RELB protein (p.Tyr366Cys).